The following is an entry in ClinVar:

NM_003289.4(TPM2):c.301C>T (p.Arg101Trp)

Gene: TPM2 (tropomyosin 2; minus strand). Cytogenetic location: 9p13.3.
Variant type: single nucleotide variant.
Coding change: c.301C>T on transcript NM_003289.4 (MANE Select); coding-DNA position 301, C replaced by T.
Protein change: p.Arg101Trp; replaces arginine 101 with tryptophan.
Molecular consequence: missense variant.
Genome position (GRCh38, 1-based): chr9:35,685,720, G>A on the plus strand (C>T on the coding strand, the complement: TPM2 is on the minus strand). VCF-style: chr9-35685720-G-A. GRCh37 (hg19) VCF-style: chr9-35685717-G-A.
Other names: c.301C>T, p.Arg101Trp (NM_001301226.2, NM_001301227.2, NM_213674.1); short protein forms R101W.
Identifiers: ClinVar variation 2086427 (VCV002086427.4), dbSNP rs2490684773, ClinGen allele CA373368329.
Genomic context (GRCh38, chr9:35,685,720, plus strand): 5'-CAGCCGCCTTCTCGGCCTCCTCCAGCTTCTGCAGGGCTGTAGCCAGGCGCTCCTGGGCCC[G>A]GTCCAGCTCCTCCTCAACCAGCTGAATGCGGCGGTTCAGGGAGGCCACATCTGCCTCAGC-3'
Protein context (NP_003280.2, residues 91-111): RIQLVEEELD[Arg101Trp]AQERLATALQ

ClinVar aggregate classification (germline): Uncertain significance (1 of 4 stars; one submission).

Conditions:
Arthrogryposis, distal, type 1A. Also called: ARTHROGRYPOSIS MULTIPLEX CONGENITA, DISTAL, TYPE I. Identifiers: Orphanet 1146, MedGen C6022280, MONDO:0007157, OMIM 108120.

gnomAD v4.1: 1 of 1,614,136 alleles (0.000062%); highest among the groups gnomAD compares: Non-Finnish European, 0.000085%; no homozygotes.

Submission:

Labcorp Genetics (formerly Invitae), Labcorp
Classification: Uncertain significance for Arthrogryposis, distal, type 1A. Last evaluated: 2025-12-15. Review status: criteria provided, single submitter. Criteria: Invitae Variant Classification Sherloc (09022015). Collection method: clinical testing. Allele origin: germline.
Comment: This sequence change replaces arginine, which is basic and polar, with tryptophan, which is neutral and slightly polar, at codon 101 of the TPM2 protein (p.Arg101Trp). This variant is not present in population databases (gnomAD no frequency). This variant has not been reported in the literature in individuals affected with TPM2-related conditions. ClinVar contains an entry for this variant (Variation ID: 2086427). Invitae Evidence Modeling of protein sequence and biophysical properties (such as structural, functional, and spatial information, amino acid conservation, physicochemical variation, residue mobility, and thermodynamic stability) indicates that this missense variant is expected to disrupt TPM2 protein function with a positive predictive value of 80%. In summary, the available evidence is currently insufficient to determine the role of this variant in disease. Therefore, it has been classified as a Variant of Uncertain Significance.